The following is an entry in ClinVar:

ClinVar aggregate classification (germline): Uncertain significance (1 of 4 stars; one submission).

Submission:

Ambry Genetics
Classification: Uncertain significance. Last evaluated: 2024-05-18. Review status: criteria provided, single submitter. Criteria: Ambry Variant Classification Scheme 2023. Collection method: clinical testing. Allele origin: germline.
Comment: The p.K70R variant (also known as c.209A>G), located in coding exon 1 of the MNDA gene, results from an A to G substitution at nucleotide position 209. The lysine at codon 70 is replaced by arginine, an amino acid with highly similar properties. This amino acid position is conserved. In addition, this alteration is predicted to be tolerated by in silico analysis. Based on the available evidence, the clinical significance of this variant remains unclear.

NM_002432.3(MNDA):c.209A>G (p.Lys70Arg)

Gene: MNDA (myeloid cell nuclear differentiation antigen; plus strand). Cytogenetic location: 1q23.1.
Variant type: single nucleotide variant.
Coding change: c.209A>G on transcript NM_002432.3 (MANE Select); coding-DNA position 209, A replaced by G.
Protein change: p.Lys70Arg; replaces lysine 70 with arginine.
Molecular consequence: missense variant.
Genome position (GRCh38, 1-based): chr1:158,842,362, A>G. VCF-style: chr1-158842362-A-G. GRCh37 (hg19) VCF-style: chr1-158812152-A-G.
Other names: short protein forms K70R.
Identifiers: ClinVar variation 3295449 (VCV003295449.1).